The following is an entry in ClinVar:

NM_003334.4(UBA1):c.2275-5_2275-3del

Gene: UBA1 (ubiquitin like modifier activating enzyme 1; plus strand). Cytogenetic location: Xp11.3.
Variant type: Deletion.
Coding change: c.2275-5_2275-3del on transcript NM_003334.4 (MANE Select); 5 bases into the intron before coding-DNA position 2275 through 3 bases into the intron before coding-DNA position 2275, 3 bases deleted (CCT; older notation c.2275-5_2275-3delCCT).
Molecular consequence: intron variant.
Genome position (GRCh38, 1-based): chrX:47,211,031-47,211,033, CCT deleted; deleting any 3 consecutive bases within chrX:47,211,029-47,211,033 gives the same sequence; the c. name uses the placement nearest the transcript's 3' end. VCF-style (leftmost placement, unchanged base first): chrX-47211028-TCTC-T. GRCh37 (hg19) VCF-style: chrX-47070427-TCTC-T.
Other names: c.2275-5_2275-3del (NM_153280.3).
Identifiers: ClinVar variation 3030186 (VCV003030186.2), dbSNP rs1355268884, ClinGen allele CA875801481.
Genomic context (GRCh38, chrX:47,211,028, plus strand): 5'-GGAAGGAGGTGGCGGCTCCCCACTCGAGGGCTGATGTGCTCACCCTTCCCTGCCCTGCCT[TCTC>T]CTAGCCCCTGCATCTGGACTATGTGATGGCTGCTGCCAACCTGTTTGCCCAGACCTACGG-3'

ClinVar aggregate classification (germline): Likely benign (0 of 4 stars; one submission).

Conditions:
UBA1-related disorder. Also called: UBA1-related condition.

Submission:

PreventionGenetics, part of Exact Sciences
Classification: Likely benign for UBA1-related condition. Last evaluated: 2021-02-03. Review status: no assertion criteria provided. Collection method: clinical testing. Allele origin: germline.
Comment: This variant is classified as likely benign based on ACMG/AMP sequence variant interpretation guidelines (Richards et al. 2015 PMID: 25741868, with internal and published modifications).